The following is an entry in ClinVar:

NM_206933.4(USH2A):c.5665G>C (p.Asp1889His)

Genes: USH2A (usherin; minus strand), USH2A-AS2 (USH2A antisense RNA 2; plus strand). Cytogenetic location: 1q41.
Variant type: single nucleotide variant.
Coding change: c.5665G>C on transcript NM_206933.4 (MANE Select); coding-DNA position 5665, G replaced by C.
Protein change: p.Asp1889His; replaces aspartic acid 1889 with histidine.
Molecular consequence: missense variant.
Genome position (GRCh38, 1-based): chr1:216,073,208, C>G on the plus strand (G>C on the coding strand, the complement: USH2A is on the minus strand). VCF-style: chr1-216073208-C-G. GRCh37 (hg19) VCF-style: chr1-216246550-C-G.
Other names: short protein forms D1889H.
Identifiers: ClinVar variation 4634231 (VCV004634231.2).

ClinVar aggregate classification (germline): Uncertain significance. Review status: criteria provided, multiple submitters, no conflicts (2 of 4 stars). 2 submissions from 2 submitters: Uncertain significance (2). Last evaluated 2026-03-10.

Conditions:
Inborn genetic diseases. Identifiers: MedGen C0950123, MeSH D030342.

Submissions (2):

GeneDx
Classification: Uncertain significance. Last evaluated: 2026-03-10. Review status: criteria provided, single submitter. Criteria: GeneDx Variant Classification Process June 2021. Collection method: clinical testing. Allele origin: germline.
Comment: Not observed at significant frequency in large population cohorts (gnomAD); In silico analysis supports that this missense variant has a deleterious effect on protein structure/function; Has not been previously published as pathogenic or benign to our knowledge

Ambry Genetics
Classification: Uncertain significance for Inborn genetic diseases. Last evaluated: 2025-10-07. Review status: criteria provided, single submitter. Criteria: Ambry Variant Classification Scheme 2023. Collection method: clinical testing. Allele origin: germline.